The following is an entry in ClinVar:

NM_000432.4(MYL2):c.122A>T (p.Asp41Val)

Gene: MYL2 (myosin light chain 2; minus strand). Cytogenetic location: 12q24.11.
Variant type: single nucleotide variant.
Coding change: c.122A>T on transcript NM_000432.4 (MANE Select); coding-DNA position 122, A replaced by T.
Protein change: p.Asp41Val; replaces aspartic acid 41 with valine.
Molecular consequence: missense variant. On other transcripts: intron variant (1).
Genome position (GRCh38, 1-based): chr12:110,915,762, T>A on the plus strand (A>T on the coding strand, the complement: MYL2 is on the minus strand). VCF-style: chr12-110915762-T-A. GRCh37 (hg19) VCF-style: chr12-111353566-T-A.
Other names: c.65A>T, p.Asp22Val (NM_001406916.1); c.94-1438A>T (NM_001406745.1); short protein forms D22V, D41V.
Identifiers: ClinVar variation 2906498 (VCV002906498.3), dbSNP rs1474843855, ClinGen allele CA386699416.

ClinVar aggregate classification (germline): Uncertain significance (1 of 4 stars; one submission).

Conditions:
Hypertrophic cardiomyopathy 10. Also called: MYL2-Related Familial Hypertrophic Cardiomyopathy; CARDIOMYOPATHY, HYPERTROPHIC, MID-LEFT VENTRICULAR CHAMBER TYPE, 2. Identifiers: MedGen C1834460, MONDO:0012112, OMIM 608758.

Allele frequency attached by ClinVar (database versions not stated): gnomAD exomes below 0.00001; TOPMed 0.00001.
gnomAD v4.1: 3 of 1,614,174 alleles (0.00019%); highest among the groups gnomAD compares: Non-Finnish European, 0.00025%; no homozygotes.

Submission:

Labcorp Genetics (formerly Invitae), Labcorp
Classification: Uncertain significance for Hypertrophic cardiomyopathy 10. Last evaluated: 2023-07-03. Review status: criteria provided, single submitter. Criteria: Invitae Variant Classification Sherloc (09022015). Collection method: clinical testing. Allele origin: germline.
Comment: This variant is not present in population databases (gnomAD no frequency). In summary, the available evidence is currently insufficient to determine the role of this variant in disease. Therefore, it has been classified as a Variant of Uncertain Significance. An algorithm developed to predict the effect of missense changes on protein structure and function (PolyPhen-2) suggests that this variant is likely to be disruptive. This variant has not been reported in the literature in individuals affected with MYL2-related conditions. This sequence change replaces aspartic acid, which is acidic and polar, with valine, which is neutral and non-polar, at codon 41 of the MYL2 protein (p.Asp41Val).